The following is an entry in ClinVar:

NM_018051.5(DYNC2I1):c.3020C>T (p.Ala1007Val)

Gene: DYNC2I1 (dynein 2 intermediate chain 1; plus strand). Cytogenetic location: 7q36.3.
Variant type: single nucleotide variant.
Coding change: c.3020C>T on transcript NM_018051.5 (MANE Select); coding-DNA position 3020, C replaced by T.
Protein change: p.Ala1007Val; replaces alanine 1007 with valine.
Molecular consequence: missense variant.
Genome position (GRCh38, 1-based): chr7:158,945,598, C>T. VCF-style: chr7-158945598-C-T. GRCh37 (hg19) VCF-style: chr7-158738289-C-T.
Other names: c.2882C>T, p.Ala961Val (NM_001350914.2); c.2447C>T, p.Ala816Val (NM_001350915.2); c.1559C>T, p.Ala520Val (NM_001350916.2); c.1772C>T, p.Ala591Val (NM_001350917.2, NM_001350918.2); short protein forms A1007V, A520V, A591V, A816V, A961V.
Identifiers: ClinVar variation 2048846 (VCV002048846.3), dbSNP rs377528954, ClinGen allele CA4595196.
Genomic context (GRCh38, chr7:158,945,598, plus strand): 5'-CTTTGTGTGCACTGACCCTCTGCTTCTGCCCCTCTCCCTGCAGGCTGGTGGCCATGGCTG[C>T]GGTGGGTGAGCCTGAGAAGGCTGGTGGCAGCTTCCTGGCCCTGGTGCTGGCCAGGGCGTC-3'
Protein context (NP_060521.4, residues 997-1017): VSPNRLVAMA[Ala1007Val]VGEPEKAGGS

ClinVar aggregate classification (germline): Conflicting classifications of pathogenicity. Review status: criteria provided, conflicting classifications (1 of 4 stars). 2 submissions from 2 submitters: Uncertain significance (1); Likely benign (1). Last evaluated 2023-10-12.

Conditions:
Short-rib thoracic dysplasia 8 with or without polydactyly (SRTD8). Also called: SHORT-RIB THORACIC DYSPLASIA 8 WITH POLYDACTYLY. Identifiers: Orphanet 93271, MedGen C3809691, MONDO:0014214, OMIM 615503.

Allele frequency attached by ClinVar (database versions not stated): gnomAD exomes 0.00004; ExAC 0.00006; ESP Exome Variant Server 0.00008; TOPMed 0.00008; gnomAD 0.00009; 1000 Genomes Project 30x 0.00031.
gnomAD v4.1: 79 of 1,606,374 alleles (0.0049%); highest among the groups gnomAD compares: East Asian, 0.018%; no homozygotes.

Submissions (2):

Blueprint Genetics
Classification: Likely benign. Last evaluated: 2023-10-12. Review status: criteria provided, single submitter. Criteria: ACMG Guidelines, 2015. Collection method: clinical testing. Allele origin: germline.

Labcorp Genetics (formerly Invitae), Labcorp
Classification: Uncertain significance for Short-rib thoracic dysplasia 8 with or without polydactyly. Last evaluated: 2022-10-05. Review status: criteria provided, single submitter. Criteria: Invitae Variant Classification Sherloc (09022015). Collection method: clinical testing. Allele origin: germline.
Comment: In summary, the available evidence is currently insufficient to determine the role of this variant in disease. Therefore, it has been classified as a Variant of Uncertain Significance. Algorithms developed to predict the effect of missense changes on protein structure and function output the following: SIFT: "Tolerated"; PolyPhen-2: "Benign"; Align-GVGD: "Class C0". The valine amino acid residue is found in multiple mammalian species, which suggests that this missense change does not adversely affect protein function. This variant has not been reported in the literature in individuals affected with WDR60-related conditions. This variant is present in population databases (rs377528954, gnomAD 0.03%). This sequence change replaces alanine, which is neutral and non-polar, with valine, which is neutral and non-polar, at codon 1007 of the WDR60 protein (p.Ala1007Val).